The following is an entry in ClinVar:

ClinVar aggregate classification (germline): Uncertain significance (1 of 4 stars; one submission).

Conditions:
Neurodevelopmental disorder with or without hyperkinetic movements and seizures, autosomal dominant. Also called: Intellectual disability, autosomal dominant 8. Identifiers: MedGen C3280282, MONDO:0013655, OMIM 614254.

Allele frequency attached by ClinVar (database versions not stated): gnomAD exomes below 0.00001; TOPMed below 0.00001; gnomAD 0.00001.
gnomAD v4.1: 3 of 1,611,962 alleles (0.00019%); highest among the groups gnomAD compares: African/African-American, 0.0013%; no homozygotes.

Submission:

Labcorp Genetics (formerly Invitae), Labcorp
Classification: Uncertain significance for Neurodevelopmental disorder with or without hyperkinetic movements and seizures, autosomal dominant. Last evaluated: 2023-08-30. Review status: criteria provided, single submitter. Criteria: Invitae Variant Classification Sherloc (09022015). Collection method: clinical testing. Allele origin: germline.
Comment: In summary, the available evidence is currently insufficient to determine the role of this variant in disease. Therefore, it has been classified as a Variant of Uncertain Significance. Variants that disrupt the consensus splice site are a relatively common cause of aberrant splicing (PMID: 17576681, 9536098). Algorithms developed to predict the effect of sequence changes on RNA splicing suggest that this variant is not likely to affect RNA splicing. This variant has not been reported in the literature in individuals affected with GRIN1-related conditions. This variant is not present in population databases (gnomAD no frequency). This sequence change falls in intron 17 of the GRIN1 gene. It does not directly change the encoded amino acid sequence of the GRIN1 protein. It affects a nucleotide within the consensus splice site.

Literature cited by the submitters: PubMed 17576681; PubMed 9536098.

NM_007327.4(GRIN1):c.2443+4C>T

Gene: GRIN1 (glutamate ionotropic receptor NMDA type subunit 1; plus strand). Cytogenetic location: 9q34.3.
Variant type: single nucleotide variant.
Coding change: c.2443+4C>T on transcript NM_007327.4 (MANE Select); 4 bases into the intron after coding-DNA position 2443, C replaced by T.
Molecular consequence: intron variant.
Genome position (GRCh38, 1-based): chr9:137,163,672, C>T. VCF-style: chr9-137163672-C-T. GRCh37 (hg19) VCF-style: chr9-140058124-C-T.
Other names: c.2506+4C>T (NM_001185090.2, NM_001185091.2); c.2443+4C>T (NM_021569.4, NM_000832.7).
Identifiers: ClinVar variation 1945450 (VCV001945450.5), dbSNP rs1833690991, ClinGen allele CA1130084381.
Genomic context (GRCh38, chr9:137,163,672, plus strand): 5'-AGGAATGTGACTCGCGCAGCAACGCCCCTGCGACCCTTACTTTTGAGAACATGGCCGGTG[C>T]GTTCTCCTTCATCCATTCTCGGGTGGGTTCTCCGTGGGCTGCGGCCTCCCTGGCCAGCAA-3'